The following is an entry in ClinVar:

NM_199355.4(ADAMTS18):c.1739T>C (p.Phe580Ser)

Gene: ADAMTS18 (ADAM metallopeptidase with thrombospondin type 1 motif 18; minus strand). Cytogenetic location: 16q23.1.
Variant type: single nucleotide variant.
Coding change: c.1739T>C on transcript NM_199355.4 (MANE Select); coding-DNA position 1739, T replaced by C.
Protein change: p.Phe580Ser; replaces phenylalanine 580 with serine.
Molecular consequence: missense variant.
Genome position (GRCh38, 1-based): chr16:77,335,876, A>G on the plus strand (T>C on the coding strand, the complement: ADAMTS18 is on the minus strand). VCF-style: chr16-77335876-A-G. GRCh37 (hg19) VCF-style: chr16-77369773-A-G.
Other names: c.1223T>C, p.Phe408Ser (NM_001326358.2); short protein forms F580S, F408S.
Identifiers: ClinVar variation 1392921 (VCV001392921.5), dbSNP rs773493388, ClinGen allele CA8181174.

ClinVar aggregate classification (germline): Uncertain significance (1 of 4 stars; one submission).

Allele frequency attached by ClinVar (database versions not stated): TOPMed below 0.00001; ExAC 0.00001; gnomAD 0.00001.
gnomAD v4.1: 19 of 1,614,100 alleles (0.0012%); highest among the groups gnomAD compares: East Asian, 0.0022%; no homozygotes.

Submission:

Labcorp Genetics (formerly Invitae), Labcorp
Classification: Uncertain significance. Last evaluated: 2024-10-08. Review status: criteria provided, single submitter. Criteria: Invitae Variant Classification Sherloc (09022015). Collection method: clinical testing. Allele origin: germline.
Comment: This sequence change replaces phenylalanine, which is neutral and non-polar, with serine, which is neutral and polar, at codon 580 of the ADAMTS18 protein (p.Phe580Ser). This variant is present in population databases (rs773493388, gnomAD 0.005%). This variant has not been reported in the literature in individuals affected with ADAMTS18-related conditions. ClinVar contains an entry for this variant (Variation ID: 1392921). An algorithm developed to predict the effect of missense changes on protein structure and function (PolyPhen-2) suggests that this variant¬†is likely to be tolerated. In summary, the available evidence is currently insufficient to determine the role of this variant in disease. Therefore, it has been classified as a Variant of Uncertain Significance.